The following is an entry in ClinVar:

ClinVar aggregate classification (germline): Benign. Review status: criteria provided, multiple submitters, no conflicts (2 of 4 stars). 3 submissions from 3 submitters: Benign (3). Last evaluated 2026-02-01.

Conditions:
3-methylglutaconic aciduria with deafness, encephalopathy, and Leigh-like syndrome (MEGDEL). Also called: 3-METHYLGLUTACONIC ACIDURIA, TYPE VI; SERAC1 Deficiency; MEGDEL syndrome. Identifiers: Orphanet 352328, MedGen C4040739, MONDO:0013875, OMIM 614739.

Allele frequency attached by ClinVar (database versions not stated): TOPMed 0.04577; gnomAD exomes 0.02184; ExAC 0.02277; 1000 Genomes Project 0.03774; gnomAD 0.04065 and 0.04319; 1000 Genomes Project 30x 0.04122; ESP Exome Variant Server 0.04321.
gnomAD v4.1: 41,883 of 1,612,888 alleles (2.6%); highest among the groups gnomAD compares: African/African-American, 9.3%; 812 homozygotes.

Submissions (3):

Labcorp Genetics (formerly Invitae), Labcorp
Classification: Benign for 3-methylglutaconic aciduria with deafness, encephalopathy, and Leigh-like syndrome. Last evaluated: 2026-02-01. Review status: criteria provided, single submitter. Criteria: Invitae Variant Classification Sherloc (09022015). Collection method: clinical testing. Allele origin: germline.

Genome-Nilou Lab
Classification: Benign for 3-methylglutaconic aciduria with deafness, encephalopathy, and Leigh-like syndrome. Last evaluated: 2022-03-15. Review status: criteria provided, single submitter. Criteria: ACMG Guidelines, 2015. Collection method: clinical testing. Allele origin: germline. Affected: no.

GeneDx
Classification: Benign. Last evaluated: 2013-11-25. Review status: criteria provided, single submitter. Criteria: GeneDx Variant Classification (06012015). Collection method: clinical testing. Allele origin: germline. Affected: yes.
Comment: This variant is considered likely benign or benign based on one or more of the following criteria: it is a conservative change, it occurs at a poorly conserved position in the protein, it is predicted to be benign by multiple in silico algorithms, and/or has population frequency not consistent with disease.

NM_032861.4(SERAC1):c.1016-11C>T

Gene: SERAC1 (serine active site containing 1; minus strand). Cytogenetic location: 6q25.3.
Variant type: single nucleotide variant.
Coding change: c.1016-11C>T on transcript NM_032861.4 (MANE Select); 11 bases into the intron before coding-DNA position 1016, C replaced by T.
Molecular consequence: intron variant.
Genome position (GRCh38, 1-based): chr6:158,120,586, G>A on the plus strand (C>T on the coding strand, the complement: SERAC1 is on the minus strand). VCF-style: chr6-158120586-G-A. GRCh37 (hg19) VCF-style: chr6-158541618-G-A.
Identifiers: ClinVar variation 139096 (VCV000139096.11), dbSNP rs41269577, ClinGen allele CA293468.